The following is an entry in ClinVar:

ClinVar aggregate classification (germline): Uncertain significance. Review status: criteria provided, multiple submitters, no conflicts (2 of 4 stars). 2 submissions from 2 submitters: Uncertain significance (2). Last evaluated 2019-08-13.

Conditions:
Hereditary cancer-predisposing syndrome. Also called: Tumor predisposition; Hereditary neoplastic syndrome; Neoplastic Syndromes, Hereditary; Hereditary Cancer Syndrome. Identifiers: Orphanet 140162, MedGen C0027672, MeSH D009386, MONDO:0015356.
Familial cancer of breast. Also called: hereditary breast carcinoma; Hereditary breast cancer; BREAST CANCER, FAMILIAL. Identifiers: Orphanet 227535, MedGen C0346153, MONDO:0016419, OMIM 114480. Disease mechanism: loss of function.

Submissions (2):

Ambry Genetics
Classification: Uncertain significance for Hereditary cancer-predisposing syndrome. Last evaluated: 2019-08-13. Review status: criteria provided, single submitter. Criteria: Ambry Variant Classification Scheme 2023. Collection method: clinical testing. Allele origin: germline.
Comment: The p.S412R variant (also known as c.1236T>G), located in coding exon 10 of the CHEK2 gene, results from a T to G substitution at nucleotide position 1236. The serine at codon 412 is replaced by arginine, an amino acid with dissimilar properties. This amino acid position is highly conserved in available vertebrate species. In addition, this alteration is predicted to be deleterious by in silico analysis. Since supporting evidence is limited at this time, the clinical significance of this alteration remains unclear.

Labcorp Genetics (formerly Invitae), Labcorp
Classification: Uncertain significance for Familial cancer of breast. Last evaluated: 2019-08-10. Review status: criteria provided, single submitter. Criteria: Invitae Variant Classification Sherloc (09022015). Collection method: clinical testing. Allele origin: germline.
Comment: In summary, the available evidence is currently insufficient to determine the role of this variant in disease. Therefore, it has been classified as a Variant of Uncertain Significance. Algorithms developed to predict the effect of sequence changes on RNA splicing suggest that this variant may create or strengthen a splice site, but this prediction has not been confirmed by published transcriptional studies. Algorithms developed to predict the effect of missense changes on protein structure and function are either unavailable or do not agree on the potential impact of this missense change (SIFT: "Deleterious"; PolyPhen-2: "Probably Damaging"; Align-GVGD: "Class C0"). This variant has not been reported in the literature in individuals with CHEK2-related conditions. This variant is not present in population databases (ExAC no frequency). This sequence change replaces serine with arginine at codon 412 of the CHEK2 protein (p.Ser412Arg). The serine residue is highly conserved and there is a moderate physicochemical difference between serine and arginine.

NM_007194.4(CHEK2):c.1236T>G (p.Ser412Arg)

Gene: CHEK2 (checkpoint kinase 2; minus strand). Cytogenetic location: 22q12.1.
Variant type: single nucleotide variant.
Coding change: c.1236T>G on transcript NM_007194.4 (MANE Select); coding-DNA position 1236, T replaced by G.
Protein change: p.Ser412Arg; replaces serine 412 with arginine.
Molecular consequence: missense variant.
Genome position (GRCh38, 1-based): chr22:28,695,733, A>C on the plus strand (T>G on the coding strand, the complement: CHEK2 is on the minus strand). VCF-style: chr22-28695733-A-C. GRCh37 (hg19) VCF-style: chr22-29091721-A-C.
Other names: c.1365T>G, p.Ser455Arg (NM_001005735.3); c.573T>G, p.Ser191Arg (NM_001257387.3); c.1035T>G, p.Ser345Arg (NM_001349956.3); c.1149T>G, p.Ser383Arg (NM_145862.3); short protein forms S191R, S412R, S345R, S383R, S455R.
Identifiers: ClinVar variation 818669 (VCV000818669.15), dbSNP rs1601722002, ClinGen allele CA411096619.